The following is an entry in ClinVar:

ClinVar aggregate classification (germline): Uncertain significance. Review status: criteria provided, multiple submitters, no conflicts (2 of 4 stars). 2 submissions from 2 submitters: Uncertain significance (2). Last evaluated 2025-01-13.

Conditions:
Hirschsprung disease, susceptibility to, 4. Identifiers: Orphanet 388, MedGen C3150975, MONDO:0013384, OMIM 613712.

Allele frequency attached by ClinVar (database versions not stated): gnomAD exomes below 0.00001 and 0.00002.
gnomAD v4.1: 11 of 1,614,180 alleles (0.00068%); highest among the groups gnomAD compares: East Asian, 0.025%; no homozygotes.

Submissions (2):

Labcorp Genetics (formerly Invitae), Labcorp
Classification: Uncertain significance. Last evaluated: 2025-01-13. Review status: criteria provided, single submitter. Criteria: Invitae Variant Classification Sherloc (09022015). Collection method: clinical testing. Allele origin: germline.
Comment: This sequence change replaces leucine, which is neutral and non-polar, with serine, which is neutral and polar, at codon 208 of the EDN3 protein (p.Leu208Ser). This variant is present in population databases (no rsID available, gnomAD 0.006%). This variant has not been reported in the literature in individuals affected with EDN3-related conditions. ClinVar contains an entry for this variant (Variation ID: 897565). An algorithm developed to predict the effect of missense changes on protein structure and function outputs the following: PolyPhen-2: "Possibly Damaging". The serine amino acid residue is found in multiple mammalian species, which suggests that this missense change does not adversely affect protein function. In summary, the available evidence is currently insufficient to determine the role of this variant in disease. Therefore, it has been classified as a Variant of Uncertain Significance.

Illumina Laboratory Services, Illumina
Classification: Uncertain significance for Hirschsprung disease, susceptibility to, 4. Last evaluated: 2018-01-13. Review status: criteria provided, single submitter. Criteria: ICSL Variant Classification Criteria 13 December 2019. Collection method: clinical testing. Allele origin: germline.

NM_207034.3(EDN3):c.623T>C (p.Leu208Ser)

Gene: EDN3 (endothelin 3; plus strand). Cytogenetic location: 20q13.32.
Variant type: single nucleotide variant.
Coding change: c.623T>C on transcript NM_207034.3 (MANE Select); coding-DNA position 623, T replaced by C.
Protein change: p.Leu208Ser; replaces leucine 208 with serine.
Molecular consequence: missense variant. On other transcripts: 3 prime UTR variant (1), stop lost (2).
Genome position (GRCh38, 1-based): chr20:59,324,365, T>C. VCF-style: chr20-59324365-T-C. GRCh37 (hg19) VCF-style: chr20-57899420-T-C.
Other names: *193Q; *220Q; c.*30T>C (NM_001302455.2); c.577T>C, p.Ter193Gln (NM_001302456.2); c.658T>C, p.Ter220Gln (NM_207032.3); c.581T>C, p.Leu194Ser (NM_207033.3); short protein forms L208S, L194S.
Identifiers: ClinVar variation 897565 (VCV000897565.6), dbSNP rs1306262526, ClinGen allele CA409708934.